The following is an entry in ClinVar:

NC_012920.1(MT-TL1):m.3303C>T

Gene: MT-TL1 (mitochondrially encoded tRNA leucine 1 (UUA/G); plus strand).
Variant type: single nucleotide variant.
Genome position: chrM-3303-C-T.
Other names: 3303C-T.
Identifiers: ClinVar variation 9592 (VCV000009592.6), dbSNP rs199474660, ClinGen allele CA120562.

ClinVar aggregate classification (germline): Likely pathogenic. Review status: reviewed by expert panel (3 of 4 stars). 5 submissions from 5 submitters: Likely pathogenic (1). 4 of the submissions do not count toward it. Last evaluated 2023-01-09.

Conditions:
MITOCHONDRIAL CARDIOMYOPATHY WITH OR WITHOUT SKELETAL MYOPATHY.
Mitochondrial disease. Also called: Mitochondrial disorder; Mitochondrial disorders. Identifiers: Orphanet 68380, MedGen C0751651, MeSH D028361, MONDO:0044970.
MELAS syndrome (MELAS). Also called: Juvenile myopathy, encephalopathy, lactic acidosis, stroke. Identifiers: Orphanet 550, MedGen C0162671, MONDO:0010789, OMIM 540000.

Submissions (5):

ClinGen Mitochondrial Disease Nuclear and Mitochondrial  Variant Curation Expert Panel, ClinGen
Classification: Likely pathogenic for Mitochondrial disease. Last evaluated: 2023-01-09. Review status: reviewed by expert panel. Criteria: McCormick et al. (Hum Mutat. 2020). Collection method: curation. Allele origin: germline. Inheritance: Mitochondrial inheritance.
Comment: The m.3303C>T variant in MT-TL1 has been reported in at least 16 unrelated individuals with primary mitochondrial disease (PS4; 13 individuals were reported in the medical literature, PMIDs: 23847141, 10431114, 32167396, 11768589, 33013660, 20226758, 23258140, 7906985, 31965079; an additional three cases were known to members of this Expert Panel). Many affected individuals had hypertrophic cardiomyopathy and/or skeletal myopathy, as well as exercise intolerance, muscle weakness, lactic acidosis, and failure to thrive. Age of onset varied from infancy to adulthood. Heteroplasmy levels in affected individuals ranged from 58-97% in muscle, 20-80% in blood, and, in one case, was almost homoplasmic in fibroblasts. There are no de novo occurrences of this variant to our knowledge. This variant segregated with disease in multiple affected members in multiple families and several healthy family members had lower to undetectable levels of the variant (PP1_moderate; PMID: 10431114, also seen in cases known to Expert Panel members). Of note, there is a report of this variant in individuals with premature ovarian insufficiency (POI, PMID: 30404982), however this Expert Panel agreed this presentation, when isolated, is not known to be associated with mitochondrial DNA etiologies and it is not clear other organ systems were or were not screened in these cases. Therefore, these cases were not considered as supporting evidence for this variant classification. There is one occurrence in population databases as one individual in the Helix dataset had this variant present at heteroplasmy. Although there is one occurrence, the frequency is still low (PM2_supporting). The computational predictor MitoTIP suggests this variant is pathogenic (92.7 percentile) and HmtVAR predicts it to be pathogenic score of 0.65 (PP3). Single fiber testing (PMID: 11271374) showed higher levels of the variant in ragged red fibers that were COX-negative (42.4±7.0%) and in ragged red fibers that were COX-positive (58.2±5.8%), and this was significantly higher than levels of the variant in normal appearing fibers (10.7±6.3%; PS3_supporting). Of note, cybrid studies are reported however the generated cybrids include other mitochondrial DNA variants precluding consideration as evidence of pathogenicity of this variant only (PMID: 30404982). In summary, this variant meets criteria to be classified as likely pathogenic for primary mitochondrial disease inherited in a mitochondrial manner. We note, however, that some members of this Expert Panel elected to modify the classification to pathogenic given the extent of cases from different ethnic backgrounds that have been reported with overlapping phenotypes that is further supported by the evidence outlined above. The experts were almost evenly divided on the final classification as five experts voted to keep the classification as likely pathogenic and four voted for pathogenic. This classification was approved by the NICHD/NINDS U24 ClinGen Mitochondrial Disease Variant Curation Expert Panel on January 9, 2023. Mitochondrial DNA-specific ACMG/AMP criteria applied (PMID: 32906214): PS4, PP1_moderate, PM2_supporting, PP3, PS3_supporting.

Mendelics
Classification: Pathogenic for MELAS syndrome. Last evaluated: 2022-05-04. Review status: criteria provided, single submitter. Criteria: Mendelics Assertion Criteria 2019. Collection method: clinical testing. Allele origin: germline. Not counted in ClinVar's aggregate classification.

Wong Mito Lab, Molecular and Human Genetics, Baylor College of Medicine
Classification: Pathogenic for MELAS syndrome. Last evaluated: 2019-07-12. Review status: criteria provided, single submitter. Criteria: Modified ACMG Guidelines (Unpublished). Collection method: clinical testing. Allele origin: germline. Not counted in ClinVar's aggregate classification.
Comment: The NC_012920.1:m.3303C>T variant in MT-TL1 gene is interpreted to be a Pathogenic variant based on the modified ACMG guidelines (unpublished). This variant meets the following evidence codes reported in the guidelines: PS5, PM7, PM9, PM10

Suma Genomics
Classification: Likely pathogenic for mitochondrial disorders. Review status: criteria provided, single submitter. Criteria: ACMG Guidelines, 2015. Collection method: clinical testing. Allele origin: maternal. Inheritance: Mitochondrial inheritance. Affected: yes. Observed: 1 variant allele, 1 homozygote. Not counted in ClinVar's aggregate classification.
Comment: This variant is not observed in homoplasmic and heteroplasmic states in the gnomAD database. In-silico analysis tool MitoTIP is consistent in predicting this variant to be disease-causing. ACMG classification: Likely pathogenic Criteria met: PS4, PS3_Supporting, PM2_Spporting, PP1_Moderate, PP3

OMIM
Classification: Pathogenic for MITOCHONDRIAL CARDIOMYOPATHY WITH OR WITHOUT SKELETAL MYOPATHY. Last evaluated: 1999-08-01. Review status: no assertion criteria provided. Collection method: literature only. Allele origin: germline. Not counted in ClinVar's aggregate classification.

Literature cited by the submitters: PubMed 31965079 (cited by Wong Mito Lab, Molecular and Human Genetics, Baylor College of Medicine); PubMed 7906985 (cited by Wong Mito Lab, Molecular and Human Genetics, Baylor College of Medicine and OMIM); PubMed 9841711 (cited by Wong Mito Lab, Molecular and Human Genetics, Baylor College of Medicine); PubMed 10431114 (cited by OMIM).